The following is an entry in ClinVar:

ClinVar aggregate classification (germline): Uncertain significance. Review status: criteria provided, multiple submitters, no conflicts (2 of 4 stars). 2 submissions from 2 submitters: Uncertain significance (2). Last evaluated 2024-09-09.

Allele frequency attached by ClinVar (database versions not stated): gnomAD 0.00002; TOPMed 0.00003; ExAC 0.00007.
gnomAD v4.1: 58 of 1,614,100 alleles (0.0036%); highest among the groups gnomAD compares: Admixed American, 0.015%; no homozygotes.

Submissions (2):

Blueprint Genetics
Classification: Uncertain significance. Last evaluated: 2024-09-09. Review status: criteria provided, single submitter. Criteria: ACMG Guidelines, 2015. Collection method: clinical testing. Allele origin: germline.

Labcorp Genetics (formerly Invitae), Labcorp
Classification: Uncertain significance. Last evaluated: 2023-12-18. Review status: criteria provided, single submitter. Criteria: Invitae Variant Classification Sherloc (09022015). Collection method: clinical testing. Allele origin: germline.
Comment: This sequence change replaces proline, which is neutral and non-polar, with leucine, which is neutral and non-polar, at codon 617 of the ITGB3 protein (p.Pro617Leu). This variant is present in population databases (rs761812282, gnomAD 0.02%). This variant has not been reported in the literature in individuals affected with ITGB3-related conditions. ClinVar contains an entry for this variant (Variation ID: 2172286). An algorithm developed to predict the effect of missense changes on protein structure and function (PolyPhen-2) suggests that this variant¬†is likely to be tolerated. In summary, the available evidence is currently insufficient to determine the role of this variant in disease. Therefore, it has been classified as a Variant of Uncertain Significance.

NM_000212.3(ITGB3):c.1850C>T (p.Pro617Leu)

Gene: ITGB3 (integrin subunit beta 3; plus strand). Cytogenetic location: 17q21.32.
Variant type: single nucleotide variant.
Coding change: c.1850C>T on transcript NM_000212.3 (MANE Select); coding-DNA position 1850, C replaced by T.
Protein change: p.Pro617Leu; replaces proline 617 with leucine.
Molecular consequence: missense variant.
Genome position (GRCh38, 1-based): chr17:47,299,467, C>T. VCF-style: chr17-47299467-C-T. GRCh37 (hg19) VCF-style: chr17-45376833-C-T.
Other names: short protein forms P617L.
Identifiers: ClinVar variation 2172286 (VCV002172286.3), dbSNP rs761812282, ClinGen allele CA8623370.